The following is an entry in ClinVar:

ClinVar aggregate classification (germline): Uncertain significance (1 of 4 stars; one submission).

Allele frequency attached by ClinVar (database versions not stated): gnomAD exomes below 0.00001; gnomAD 0.00001.
gnomAD v4.1: 3 of 1,613,332 alleles (0.00019%); highest among the groups gnomAD compares: Admixed American, 0.0033%; no homozygotes.

Submission:

Labcorp Genetics (formerly Invitae), Labcorp
Classification: Uncertain significance. Last evaluated: 2025-07-17. Review status: criteria provided, single submitter. Criteria: Invitae Variant Classification Sherloc (09022015). Collection method: clinical testing. Allele origin: germline.
Comment: This sequence change replaces threonine, which is neutral and polar, with asparagine, which is neutral and polar, at codon 1926 of the DCHS1 protein (p.Thr1926Asn). This variant is present in population databases (no rsID available, gnomAD 0.003%). This variant has not been reported in the literature in individuals affected with DCHS1-related conditions. ClinVar contains an entry for this variant (Variation ID: 1376341). Invitae Evidence Modeling of protein sequence and biophysical properties (such as structural, functional, and spatial information, amino acid conservation, physicochemical variation, residue mobility, and thermodynamic stability) indicates that this missense variant is not expected to disrupt DCHS1 protein function with a negative predictive value of 95%. In summary, the available evidence is currently insufficient to determine the role of this variant in disease. Therefore, it has been classified as a Variant of Uncertain Significance.

NM_003737.4(DCHS1):c.5777C>A (p.Thr1926Asn)

Gene: DCHS1 (dachsous cadherin-related 1; minus strand). Cytogenetic location: 11p15.4.
Variant type: single nucleotide variant.
Coding change: c.5777C>A on transcript NM_003737.4 (MANE Select); coding-DNA position 5777, C replaced by A.
Protein change: p.Thr1926Asn; replaces threonine 1926 with asparagine.
Molecular consequence: missense variant.
Genome position (GRCh38, 1-based): chr11:6,627,262, G>T on the plus strand (C>A on the coding strand, the complement: DCHS1 is on the minus strand). VCF-style: chr11-6627262-G-T. GRCh37 (hg19) VCF-style: chr11-6648493-G-T.
Other names: short protein forms T1926N.
Identifiers: ClinVar variation 1376341 (VCV001376341.6), dbSNP rs981846607, ClinGen allele CA379392411.